The following is an entry in ClinVar:

ClinVar aggregate classification (germline): Uncertain significance (1 of 4 stars; one submission).

gnomAD v4.1: 6 of 1,607,432 alleles (0.00037%); highest among the groups gnomAD compares: African/African-American, 0.004%; no homozygotes.

Submission:

Labcorp Genetics (formerly Invitae), Labcorp
Classification: Uncertain significance. Last evaluated: 2024-09-05. Review status: criteria provided, single submitter. Criteria: Invitae Variant Classification Sherloc (09022015). Collection method: clinical testing. Allele origin: germline.
Comment: This sequence change replaces glycine, which is neutral and non-polar, with glutamic acid, which is acidic and polar, at codon 643 of the ASXL1 protein (p.Gly643Glu). This variant is present in population databases (rs201649676, gnomAD 0.008%). This variant has not been reported in the literature in individuals affected with ASXL1-related conditions. An algorithm developed to predict the effect of missense changes on protein structure and function (PolyPhen-2) suggests that this variant is likely to be disruptive. In summary, the available evidence is currently insufficient to determine the role of this variant in disease. Therefore, it has been classified as a Variant of Uncertain Significance.

NM_015338.6(ASXL1):c.1928G>A (p.Gly643Glu)

Gene: ASXL1 (ASXL transcriptional regulator 1; plus strand). Cytogenetic location: 20q11.21.
Variant type: single nucleotide variant.
Coding change: c.1928G>A on transcript NM_015338.6 (MANE Select); coding-DNA position 1928, G replaced by A.
Protein change: p.Gly643Glu; replaces glycine 643 with glutamic acid.
Molecular consequence: missense variant.
Genome position (GRCh38, 1-based): chr20:32,434,640, G>A. VCF-style: chr20-32434640-G-A. GRCh37 (hg19) VCF-style: chr20-31022443-G-A.
Other names: c.1745G>A, p.Gly582Glu (NM_001363734.1); short protein forms G582E, G643E.
Identifiers: ClinVar variation 3610214 (VCV003610214.2).